The following is an entry in ClinVar:

NM_004448.4(ERBB2):c.1757C>T (p.Ala586Val)

Gene: ERBB2 (erb-b2 receptor tyrosine kinase 2; plus strand). Cytogenetic location: 17q12.
Variant type: single nucleotide variant.
Coding change: c.1757C>T on transcript NM_004448.4 (MANE Select); coding-DNA position 1757, C replaced by T.
Protein change: p.Ala586Val; replaces alanine 586 with valine.
Molecular consequence: missense variant. On other transcripts: non-coding transcript variant (1), intron variant (1).
Genome position (GRCh38, 1-based): chr17:39,717,339, C>T. VCF-style: chr17-39717339-C-T. GRCh37 (hg19) VCF-style: chr17-37873592-C-T.
Other names: c.1667C>T, p.Ala556Val (NM_001005862.3, NM_001289938.2, NM_001382782.1 and 1 more transcripts); c.1712C>T, p.Ala571Val (NM_001289936.2); c.1757C>T, p.Ala586Val (NM_001289937.2, NM_001382792.1, NM_001382793.1 and 9 more transcripts); c.1874C>T, p.Ala625Val (NM_001382784.1, NM_001382786.1); c.1859C>T, p.Ala620Val (NM_001382785.1); c.1832C>T, p.Ala611Val (NM_001382787.1); c.1787C>T, p.Ala596Val (NM_001382788.1); c.1778C>T, p.Ala593Val (NM_001382789.1); and 6 more; short protein forms A571V, A593V, A611V, A310V, A625V, A500V, A526V, A556V.
Identifiers: ClinVar variation 1427852 (VCV001427852.8), dbSNP rs2145706633, ClinGen allele CA399295359.

ClinVar aggregate classification (germline): Uncertain significance (1 of 4 stars; one submission).

Allele frequency attached by ClinVar (database versions not stated): gnomAD exomes below 0.00001.
gnomAD v4.1: 2 of 1,612,110 alleles (0.00012%); highest among the groups gnomAD compares: Non-Finnish European, 0.00017%; no homozygotes.

Submission:

Labcorp Genetics (formerly Invitae), Labcorp
Classification: Uncertain significance. Last evaluated: 2023-02-18. Review status: criteria provided, single submitter. Criteria: Invitae Variant Classification Sherloc (09022015). Collection method: clinical testing. Allele origin: germline.
Comment: In summary, the available evidence is currently insufficient to determine the role of this variant in disease. Therefore, it has been classified as a Variant of Uncertain Significance. Algorithms developed to predict the effect of sequence changes on RNA splicing suggest that this variant may create or strengthen a splice site. Advanced modeling of protein sequence and biophysical properties (such as structural, functional, and spatial information, amino acid conservation, physicochemical variation, residue mobility, and thermodynamic stability) performed at Invitae indicates that this missense variant is not expected to disrupt ERBB2 protein function. ClinVar contains an entry for this variant (Variation ID: 1427852). This variant has not been reported in the literature in individuals affected with ERBB2-related conditions. This variant is not present in population databases (gnomAD no frequency). This sequence change replaces alanine, which is neutral and non-polar, with valine, which is neutral and non-polar, at codon 586 of the ERBB2 protein (p.Ala586Val).